The following is an entry in ClinVar:

NM_006421.5(ARFGEF1):c.1361_1362insC (p.Leu455fs)

Gene: ARFGEF1 (ARF guanine nucleotide exchange factor 1; minus strand). Cytogenetic location: 8q13.2.
Variant type: Insertion.
Coding change: c.1361_1362insC on transcript NM_006421.5 (MANE Select); coding-DNA positions 1361 to 1362, C inserted.
Protein change: p.Leu455fs; shifts the reading frame from leucine 455.
Molecular consequence: frameshift variant. On other transcripts: 5 prime UTR variant (1), non-coding transcript variant (1).
Genome position: GRCh38 VCF-style: chr8-67271912-A-AG. GRCh37 (hg19) VCF-style: chr8-68184147-A-AG.
Other names: c.1361_1362insC, p.Leu455fs (NM_001413184.1, NM_001413185.1, NM_001413186.1 and 7 more transcripts); c.761_762insC, p.Leu255fs (NM_001413188.1, NM_001413193.1, NM_001413197.1); c.-65_-64insC (NM_001413196.1); short protein forms L255fs, L455fs.
Identifiers: ClinVar variation 3377656 (VCV003377656.1).

ClinVar aggregate classification (germline): Likely pathogenic (1 of 4 stars; one submission).

Conditions:
Developmental delay, impaired speech, and behavioral abnormalities, with or without seizures (DEDISB). Identifiers: MedGen C5575272, MONDO:0859263, OMIM 619964.

Submission:

Neuberg Centre For Genomic Medicine, NCGM
Classification: Likely pathogenic for Developmental delay, impaired speech, and behavioral abnormalities, with or without seizures. Review status: criteria provided, single submitter. Criteria: ACMG Guidelines, 2015. Collection method: clinical testing. Allele origin: germline. Inheritance: Autosomal dominant inheritance. Affected: yes.
Comment: The observed frameshift variant c.1361_1362insC(p.Leu455SerfsTer21) in the ARFGEF1 gene has not been reported previously as a pathogenic variant nor as a benign variant, to our knowledge. This variant is absent in the gnomAD Exomes. This variant causes a frameshift starting with codon Leucine 455, changes this amino acid to Serine residue, and creates a premature Stop codon at position 21 of the new reading frame, denoted p.Leu455SerfsTer21. This variant is predicted to cause loss of normal protein function through protein truncation. Loss of function variants have been previously reported to be disease causing (Xu L, et al., 2022). For these reasons, this variant has been classified as Likely Pathogenic.